The following is an entry in ClinVar:

NM_001276345.2(TNNT2):c.305G>A (p.Arg102Gln)

Gene: TNNT2 (troponin T2, cardiac type; minus strand). Cytogenetic location: 1q32.1.
Variant type: single nucleotide variant.
Coding change: c.305G>A on transcript NM_001276345.2 (MANE Select); coding-DNA position 305, G replaced by A.
Protein change: p.Arg102Gln; replaces arginine 102 with glutamine.
Molecular consequence: missense variant. On other transcripts: intron variant (1).
Genome position (GRCh38, 1-based): chr1:201,365,297, C>T on the plus strand (G>A on the coding strand, the complement: TNNT2 is on the minus strand). VCF-style: chr1-201365297-C-T. GRCh37 (hg19) VCF-style: chr1-201334425-C-T.
Other names: p.R92Q:CGG>CAG; c.305G>A, p.Arg102Gln (NM_000364.4); c.275G>A, p.Arg92Gln (NM_001001430.3, NM_001001431.3, NM_001276347.2); c.260G>A, p.Arg87Gln (NM_001001432.3); c.291+313G>A (NM_001276346.2); short protein forms R92Q, R102Q, R87Q.
Identifiers: ClinVar variation 12409 (VCV000012409.33), dbSNP rs121964856, ClinGen allele CA004273.

ClinVar aggregate classification (germline): Pathogenic/Likely pathogenic. Review status: criteria provided, multiple submitters, no conflicts (2 of 4 stars). 15 submissions from 13 submitters: Pathogenic (8); Likely pathogenic (4). 3 of the submissions do not count toward it. Last evaluated 2026-01-21.

Conditions:
TNNT2-related disorder. Also called: TNNT2-related condition.
Cardiovascular phenotype. Identifiers: MedGen CN230736.
Hypertrophic cardiomyopathy 2. Also called: TNNT2-Related Familial Hypertrophic Cardiomyopathy. Identifiers: MedGen C1861864, MONDO:0007266, OMIM 115195.
Cardiomyopathy, familial restrictive, 3. Identifiers: Orphanet 75249, MedGen C2676271, MONDO:0012900, OMIM 612422.
Dilated cardiomyopathy 1D. Identifiers: Orphanet 154, Orphanet 54260, MedGen C1832243, MONDO:0011095, OMIM 601494.
Hypertrophic cardiomyopathy. Also called: HYPERTROPHIC MYOCARDIOPATHY. Identifiers: Orphanet 217569, MedGen C0007194, MeSH D002312, MONDO:0005045, HP:0001639.

Allele frequency attached by ClinVar (database versions not stated): TOPMed below 0.00001; gnomAD 0.00001.

Submissions 1 to 9 of 15:

Labcorp Genetics (formerly Invitae), Labcorp
Classification: Pathogenic for Cardiomyopathy, familial restrictive, 3; Hypertrophic cardiomyopathy 2; Dilated cardiomyopathy 1D. Last evaluated: 2026-01-21. Review status: criteria provided, single submitter. Criteria: Invitae Variant Classification Sherloc (09022015). Collection method: clinical testing. Allele origin: germline.
Comment: This sequence change replaces arginine, which is basic and polar, with glutamine, which is neutral and polar, at codon 92 of the TNNT2 protein (p.Arg92Gln). This variant is not present in population databases (gnomAD no frequency). This missense change has been observed in individual(s) with hypertrophic cardiomyopathy, left ventricular non-compaction, atypical pattern of myocardial scarring and/or inducible malignant ventricular tachyarrhythmia (PMID: 7898523, 8205619, 8951566, 18403758, 19087273, 19487599, 23233322, 24691700, 25524337). In at least one individual the variant was observed to be de novo. It has also been observed to segregate with disease in related individuals. ClinVar contains an entry for this variant (Variation ID: 12409). Invitae Evidence Modeling of protein sequence and biophysical properties (such as structural, functional, and spatial information, amino acid conservation, physicochemical variation, residue mobility, and thermodynamic stability) indicates that this missense variant is not expected to disrupt TNNT2 protein function with a negative predictive value of 80%. Experimental studies have shown that this missense change affects TNNT2 function (PMID: 9788962, 10085122, 10449439, 11158969, 12186860). This variant disrupts the p.Arg92 amino acid residue in TNNT2. Other variant(s) that disrupt this residue have been determined to be pathogenic (PMID: 9060892, 16326803, 22144547). This suggests that this residue is clinically significant, and that variants that disrupt this residue are likely to be disease-causing. For these reasons, this variant has been classified as Pathogenic.

Victorian Clinical Genetics Services, Murdoch Childrens Research Institute
Classification: Pathogenic for Dilated cardiomyopathy 1D. Last evaluated: 2025-07-15. Review status: criteria provided, single submitter. Criteria: ACMG Guidelines, 2015. Collection method: clinical testing. Allele origin: germline. Affected: yes.
Comment: This variant is classified as Pathogenic. Evidence in support of pathogenic classification: Variant is present in gnomAD <0.001 for a dominant condition (v4: 1 heterozygote(s), 0 homozygote(s)); This variant has strong previous evidence of pathogenicity in unrelated individuals. This variant has been classified as pathogenic or likely pathogenic by multiple clinical laboratories in ClinVar. It has also been reported in the literature in multiple unrelated families with either hypertrophic or dilated cardiomyopathy (PMID: 26507537); Other missense variant(s) comparable to the one identified in this case have very strong previous evidence for pathogenicity. p.(Arg102Trp), p.(Arg102Leu) and p.(Arg102Gly) have been classified as pathogenic or likely pathogenic by multiple clinical laboratories in ClinVar; Variant is located in a hotspot region or cluster of PATHOGENIC variants (DECIPHER); Missense variant predicted to be damaging by in silico tool(s) or highly conserved with a major amino acid change. Additional information: Variant is predicted to result in a missense amino acid change from Arg to Gln; This variant is heterozygous; This gene is associated with autosomal dominant disease; Alternative amino acid change(s) at the same position are present in gnomAD (Highest allele count: v4: 9 heterozygote(s), 0 homozygote(s)). - The mechanism of disease for this gene is not clearly established. Functional studies have suggested loss of function, gain of function and dominant negative mechanisms based on calcium sensitivity, contractibility and mouse models (PMID: 18612386, 32098556, 33025817); Variants in this gene are known to have variable expressivity (OMIM, PMID: 26507537); Inheritance information for this variant is not currently available in this individual.

Dasa
Classification: Pathogenic. Last evaluated: 2024-09-27. Review status: criteria provided, single submitter. Criteria: DASA Assertion Criteria. Collection method: clinical testing. Allele origin: germline.
Comment: NM_001276345.2(TNNT2):c.305G>A (p.Arg102Gln) is a missense variant that results in the substitution of arginine with glutamine. Functional evidence supports a deleterious effect on the gene or gene product (PMID: 9788962; PMID: 10085122; PMID: 10449439; PMID: 12186860; PMID: 7898523). This variant has been recurrently observed in individuals with related phenotype (PMID: 9788962; PMID: 10085122; PMID: 10449439; PMID: 12186860; PMID: 7898523). Segregation evidence has been reported in affected families. Multiple computational predictions support a deleterious effect on the gene or gene product. The variant is present at low frequency in population datasets. Based on the available data, this variant is classified as pathogenic.

Genome-Nilou Lab
Classification: Likely pathogenic for Dilated cardiomyopathy 1D. Last evaluated: 2023-04-11. Review status: criteria provided, single submitter. Criteria: ACMG Guidelines, 2015. Collection method: clinical testing. Allele origin: germline. Affected: no.

Genome-Nilou Lab
Classification: Likely pathogenic for Cardiomyopathy, familial restrictive, 3. Last evaluated: 2023-04-11. Review status: criteria provided, single submitter. Criteria: ACMG Guidelines, 2015. Collection method: clinical testing. Allele origin: germline. Affected: no.

Genome-Nilou Lab
Classification: Likely pathogenic for Hypertrophic cardiomyopathy 2. Last evaluated: 2023-04-11. Review status: criteria provided, single submitter. Criteria: ACMG Guidelines, 2015. Collection method: clinical testing. Allele origin: germline. Affected: no.

Blueprint Genetics
Classification: Pathogenic for TNNT2-related disorders. Last evaluated: 2022-10-17. Review status: criteria provided, single submitter. Criteria: ACMG Guidelines, 2015. Collection method: clinical testing. Allele origin: germline. Affected: yes. Observed: 4 variant alleles.

GeneDx
Classification: Pathogenic. Last evaluated: 2022-05-25. Review status: criteria provided, single submitter. Criteria: GeneDx Variant Classification Process June 2021. Collection method: clinical testing. Allele origin: germline. Affected: yes.
Comment: Not observed at significant frequency in large population cohorts (gnomAD); Published functional studies demonstrate a damaging effect as this variant impairs tropomyosin binding, calcium signaling, and the myofibrillar assembly (Yanaga et al., 1999; Javadpour et al., 2003; Liu et al., 2012; Robinson et al., 2018; Cai et al., 2020); In silico analysis supports that this missense variant has a deleterious effect on protein structure/function; This variant is associated with the following publications: (PMID: 30847666, 26507537, 27036851, 29760186, 29725858, 33336002, 31308319, 28735292, 21131475, 12479243, 11158969, 17932326, 12186860, 10085122, 10617660, 10449439, 12952925, 19087273, 24691700, 22675533, 8205619, 18403758, 9788962, 21310275, 27532257, 30022097, 31006259, 31759053, 33673806, 30975432, 26582918, 33025817, 11857753)

Ambry Genetics
Classification: Pathogenic for Cardiovascular phenotype. Last evaluated: 2022-03-07. Review status: criteria provided, single submitter. Criteria: Ambry General Variant Classification Scheme_2022. Collection method: clinical testing. Allele origin: germline. Observed: 1 variant allele.
Comment: The p.R92Q pathogenic mutation (also known as c.275G>A), located in coding exon 8 of the TNNT2 gene, results from a G to A substitution at nucleotide position 275. The arginine at codon 92 is replaced by glutamine, an amino acid with highly similar properties. This alteration (also described as p.R102Q, c.305G>A) has been reported in association with hypertrophic cardiomyopathy (HCM), dilated cardiomyopathy (DCM), and left ventricular non-compaction (LVNC) and has shown strong segregation with disease across several families (Thierfelder L, Cell 1994 Jun; 77(5):701-12; Watkins H, N. Engl. J. Med. 1995 Apr; 332(16):1058-64; Torricelli F, Am. J. Cardiol. 2003 Dec; 92(11):1358-62; Strijack B, J Cardiovasc Magn Reson 2008; 10():58; Lopes LR, Heart 2015 Feb; 101(4):294-301; Tian T, Heart Vessels 2015 Mar; 30(2):258-64; Ripoll-Vera T, Rev Esp Cardiol (EnglEd) 2016 Feb; 69(2):149-58). One study also demonstrated this alteration as a de novo mutation in a subject with HCM (Morita H, N. Engl. J. Med. 2008 May; 358(18):1899-908). Several studies have also shown that this alteration has an impact on protein function (Yanaga F, J. Biol. Chem. 1999 Mar; 274(13):8806-12; Palm T, Biophys. J. 2001 Nov; 81(5):2827-37; Robinson P, Circ. Res. 2007 Dec; 101(12):1266-73; Liu B, PLoS ONE 2012; 7(6):e38259). In addition, transgenic mouse models have shown this alteration causes hypercontractility and diastolic dysfunction (Tardiff JC, J. Clin. Invest. 1999 Aug; 104(4):469-81; Oberst L, J. Clin. Invest. 1998 Oct; 102(8):1498-505; Chandra M, Am. J. Physiol. Heart Circ. Physiol. 2001 Feb; 280(2):H705-13). Based on the supporting evidence, this alteration is interpreted as a disease-causing mutation.